The following is an entry in ClinVar:

NM_002417.5(MKI67):c.7660C>T (p.Arg2554Cys)

Gene: MKI67 (marker of proliferation Ki-67; minus strand). Cytogenetic location: 10q26.2.
Variant type: single nucleotide variant.
Coding change: c.7660C>T on transcript NM_002417.5 (MANE Select); coding-DNA position 7660, C replaced by T.
Protein change: p.Arg2554Cys; replaces arginine 2554 with cysteine.
Molecular consequence: missense variant.
Genome position (GRCh38, 1-based): chr10:128,104,180, G>A on the plus strand (C>T on the coding strand, the complement: MKI67 is on the minus strand). VCF-style: chr10-128104180-G-A. GRCh37 (hg19) VCF-style: chr10-129902444-G-A.
Other names: c.6580C>T, p.Arg2194Cys (NM_001145966.2); short protein forms R2194C, R2554C.
Identifiers: ClinVar variation 3042956 (VCV003042956.2), dbSNP rs145678978, ClinGen allele CA5746138.

ClinVar aggregate classification (germline): Conflicting classifications of pathogenicity. Review status: criteria provided, conflicting classifications (1 of 4 stars). 2 submissions from 2 submitters: Uncertain significance (1); Likely benign (1). Last evaluated 2025-08-04.

Conditions:
MKI67-related disorder. Also called: MKI67-related condition.

Allele frequency attached by ClinVar (database versions not stated): ExAC 0.00052; ESP Exome Variant Server 0.00131; 1000 Genomes Project 30x 0.00141; 1000 Genomes Project 0.00160; gnomAD 0.00163; TOPMed 0.00171.
gnomAD v4.1: 671 of 1,613,648 alleles (0.042%); highest among the groups gnomAD compares: African/African-American, 0.54%; 1 homozygote.

Submissions (2):

Ambry Genetics
Classification: Uncertain significance. Last evaluated: 2025-08-04. Review status: criteria provided, single submitter. Criteria: Ambry Variant Classification Scheme 2023. Collection method: clinical testing. Allele origin: germline.

PreventionGenetics, part of Exact Sciences
Classification: Likely benign for MKI67-related condition. Last evaluated: 2022-02-15. Review status: criteria provided, single submitter. Criteria: ACMG Guidelines, 2015. Collection method: clinical testing. Allele origin: germline.
Comment: This variant is classified as likely benign based on ACMG/AMP sequence variant interpretation guidelines (Richards et al. 2015 PMID: 25741868, with internal and published modifications).